The following is an entry in ClinVar:

ClinVar aggregate classification (germline): Uncertain significance (1 of 4 stars; one submission).

Submission:

GeneDx
Classification: Uncertain significance. Last evaluated: 2023-10-16. Review status: criteria provided, single submitter. Criteria: GeneDx Variant Classification Process June 2021. Collection method: clinical testing. Allele origin: germline. Affected: yes.
Comment: Has not been previously published as pathogenic or benign to our knowledge; In silico analysis is inconclusive as to whether the variant alters gene splicing. In the absence of RNA/functional studies, the actual effect of this sequence change is unknown.

NM_000342.4(SLC4A1):c.169-6_169-5delinsG

Gene: SLC4A1 (solute carrier family 4 member 1 (Diego blood group); minus strand). Cytogenetic location: 17q21.31.
Variant type: Indel.
Coding change: c.169-6_169-5delinsG on transcript NM_000342.4 (MANE Select); 6 bases into the intron before coding-DNA position 169 through 5 bases into the intron before coding-DNA position 169, CC replaced by G.
Molecular consequence: intron variant.
Genome position (GRCh38, 1-based): chr17:44,260,820-44,260,821, GG replaced by C on the plus strand (CC replaced by G on the coding strand, the reverse complement: SLC4A1 is on the minus strand). VCF-style: chr17-44260820-GG-C. GRCh37 (hg19) VCF-style: chr17-42338188-GG-C.
Identifiers: ClinVar variation 3365992 (VCV003365992.1).